The following is an entry in ClinVar:

ClinVar aggregate classification (germline): Uncertain significance (1 of 4 stars; one submission).

Allele frequency attached by ClinVar (database versions not stated): gnomAD exomes below 0.00001.
gnomAD v4.1: 1 of 1,614,090 alleles (0.000062%); highest among the groups gnomAD compares: Non-Finnish European, 0.000085%; no homozygotes.

Submission:

Labcorp Genetics (formerly Invitae), Labcorp
Classification: Uncertain significance. Last evaluated: 2023-12-11. Review status: criteria provided, single submitter. Criteria: Invitae Variant Classification Sherloc (09022015). Collection method: clinical testing. Allele origin: germline.
Comment: This sequence change replaces methionine, which is neutral and non-polar, with valine, which is neutral and non-polar, at codon 762 of the GRM6 protein (p.Met762Val). This variant is not present in population databases (gnomAD no frequency). This variant has not been reported in the literature in individuals affected with GRM6-related conditions. ClinVar contains an entry for this variant (Variation ID: 1037388). Advanced modeling of protein sequence and biophysical properties (such as structural, functional, and spatial information, amino acid conservation, physicochemical variation, residue mobility, and thermodynamic stability) performed at Invitae indicates that this missense variant is not expected to disrupt GRM6 protein function with a negative predictive value of 80%. In summary, the available evidence is currently insufficient to determine the role of this variant in disease. Therefore, it has been classified as a Variant of Uncertain Significance.

NM_000843.4(GRM6):c.2284A>G (p.Met762Val)

Genes: GRM6 (glutamate metabotropic receptor 6; minus strand), ZNF454 (zinc finger protein 454; plus strand). Cytogenetic location: 5q35.3.
Variant type: single nucleotide variant.
Coding change: c.2284A>G on transcript NM_000843.4 (MANE Select); coding-DNA position 2284, A replaced by G.
Protein change: p.Met762Val; replaces methionine 762 with valine.
Molecular consequence: missense variant.
Genome position (GRCh38, 1-based): chr5:178,983,062, T>C on the plus strand (A>G on the coding strand, the complement: GRM6 is on the minus strand). VCF-style: chr5-178983062-T-C. GRCh37 (hg19) VCF-style: chr5-178410063-T-C.
Other names: short protein forms M762V.
Identifiers: ClinVar variation 1037388 (VCV001037388.6), dbSNP rs1760432778, ClinGen allele CA362424542.